The following is an entry in ClinVar:

ClinVar aggregate classification (germline): Uncertain significance (1 of 4 stars; one submission).

Conditions:
Cardiovascular phenotype. Identifiers: MedGen CN230736.

gnomAD v4.1: 1 of 1,614,196 alleles (0.000062%); highest among the groups gnomAD compares: African/African-American, 0.0013%; no homozygotes.

Submission:

Ambry Genetics
Classification: Uncertain significance for Cardiovascular phenotype. Last evaluated: 2025-11-24. Review status: criteria provided, single submitter. Criteria: Ambry Variant Classification Scheme 2023. Collection method: clinical testing. Allele origin: germline.
Comment: The p.I1339T variant (also known as c.4016T>C), located in coding exon 27 of the ABCA1 gene, results from a T to C substitution at nucleotide position 4016. The isoleucine at codon 1339 is replaced by threonine, an amino acid with similar properties. This amino acid position is conserved. In addition, the in silico prediction for this alteration is inconclusive. Based on the available evidence, the clinical significance of this variant remains unclear.

NM_005502.4(ABCA1):c.4016T>C (p.Ile1339Thr)

Gene: ABCA1 (ATP binding cassette subfamily A member 1; minus strand). Cytogenetic location: 9q31.1.
Variant type: single nucleotide variant.
Coding change: c.4016T>C on transcript NM_005502.4 (MANE Select); coding-DNA position 4016, T replaced by C.
Protein change: p.Ile1339Thr; replaces isoleucine 1339 with threonine.
Molecular consequence: missense variant.
Genome position (GRCh38, 1-based): chr9:104,812,608, A>G on the plus strand (T>C on the coding strand, the complement: ABCA1 is on the minus strand). VCF-style: chr9-104812608-A-G. GRCh37 (hg19) VCF-style: chr9-107574889-A-G.
Other names: short protein forms I1339T.
Identifiers: ClinVar variation 4613287 (VCV004613287.1).